The following is an entry in ClinVar:

NM_000441.2(SLC26A4):c.521C>G (p.Thr174Ser)

Gene: SLC26A4 (solute carrier family 26 member 4; plus strand). Cytogenetic location: 7q22.3.
Variant type: single nucleotide variant.
Coding change: c.521C>G on transcript NM_000441.2 (MANE Select); coding-DNA position 521, C replaced by G.
Protein change: p.Thr174Ser; replaces threonine 174 with serine.
Molecular consequence: missense variant.
Genome position (GRCh38, 1-based): chr7:107,674,269, C>G. VCF-style: chr7-107674269-C-G. GRCh37 (hg19) VCF-style: chr7-107314714-C-G.
Other names: short protein forms T174S.
Identifiers: ClinVar variation 229260 (VCV000229260.5), dbSNP rs876658004, ClinGen allele CA10576711.

ClinVar aggregate classification (germline): Uncertain significance (1 of 4 stars; one submission).

gnomAD v4.1: 1 of 1,613,920 alleles (0.000062%); highest among the groups gnomAD compares: Non-Finnish European, 0.000085%; no homozygotes.

Submission:

Laboratory for Molecular Medicine, Mass General Brigham Personalized Medicine
Classification: Uncertain significance. Last evaluated: 2016-01-27. Review status: criteria provided, single submitter. Criteria: LMM Criteria. Collection method: clinical testing. Allele origin: germline. Observed: 1 variant allele.
Comment: The p.Thr174Ser variant in SLC26A4 has not been previously reported in individua ls with hearing loss and is absent from large population studies. Computational prediction tools and conservation analysis do not provide strong support for or against an impact to the protein. In summary, the clinical significance of the p .Thr174Ser variant is uncertain.